The following is an entry in ClinVar:

NM_000182.5(HADHA):c.799+8T>A

Gene: HADHA (hydroxyacyl-CoA dehydrogenase trifunctional multienzyme complex subunit alpha; minus strand). Cytogenetic location: 2p23.3.
Variant type: single nucleotide variant.
Coding change: c.799+8T>A on transcript NM_000182.5 (MANE Select); 8 bases into the intron after coding-DNA position 799, T replaced by A.
Molecular consequence: intron variant.
Genome position (GRCh38, 1-based): chr2:26,215,045, A>T on the plus strand (T>A on the coding strand, the complement: HADHA is on the minus strand). VCF-style: chr2-26215045-A-T. GRCh37 (hg19) VCF-style: chr2-26437914-A-T.
Identifiers: ClinVar variation 760418 (VCV000760418.13), dbSNP rs1451443100, ClinGen allele CA531378688.

ClinVar aggregate classification (germline): Likely benign. Review status: criteria provided, single submitter (1 of 4 stars). 2 submissions from 2 submitters: Likely benign (1). 1 of the submissions does not count toward it. Last evaluated 2026-01-19.

Conditions:
HADHA-related disorder. Also called: HADHA-related disorders; HADHA-related condition.
Long chain 3-hydroxyacyl-CoA dehydrogenase deficiency. Also called: Deficiency of long-chain 3-hydroxyacyl-coenzyme A dehydrogenase; LCHAD Deficiency. Identifiers: Orphanet 5, MedGen C3711645, MONDO:0012173, OMIM 609016.
Mitochondrial trifunctional protein deficiency. Identifiers: Orphanet 746, MedGen C1969443, MONDO:0012172.

Allele frequency attached by ClinVar (database versions not stated): gnomAD exomes below 0.00001; TOPMed 0.00001.
gnomAD v4.1: 2 of 1,607,762 alleles (0.00012%); highest among the groups gnomAD compares: Admixed American, 0.0033%; no homozygotes.

Submissions (2):

Labcorp Genetics (formerly Invitae), Labcorp
Classification: Likely benign for Mitochondrial trifunctional protein deficiency; Long chain 3-hydroxyacyl-CoA dehydrogenase deficiency. Last evaluated: 2026-01-19. Review status: criteria provided, single submitter. Criteria: Invitae Variant Classification Sherloc (09022015). Collection method: clinical testing. Allele origin: germline.

PreventionGenetics, part of Exact Sciences
Classification: Likely benign for HADHA-related condition. Last evaluated: 2022-04-25. Review status: no assertion criteria provided. Collection method: clinical testing. Allele origin: germline. Not counted in ClinVar's aggregate classification.
Comment: This variant is classified as likely benign based on ACMG/AMP sequence variant interpretation guidelines (Richards et al. 2015 PMID: 25741868, with internal and published modifications).